The following is an entry in ClinVar:

NM_004006.3(DMD):c.5449-2A>T

Gene: DMD (dystrophin; minus strand). Cytogenetic location: Xp21.1.
Variant type: single nucleotide variant.
Coding change: c.5449-2A>T on transcript NM_004006.3 (MANE Select); the canonical splice acceptor site of the intron before coding-DNA position 5449, A replaced by T.
Molecular consequence: splice acceptor variant.
Genome position (GRCh38, 1-based): chrX:32,346,082, T>A on the plus strand (A>T on the coding strand, the complement: DMD is on the minus strand). VCF-style: chrX-32346082-T-A. GRCh37 (hg19) VCF-style: chrX-32364199-T-A.
Other names: c.5425-2A>T (NM_000109.4); c.1426-2A>T (NM_004011.4); c.1417-2A>T (NM_004012.4); c.5437-2A>T (NM_004009.3); c.5080-2A>T (NM_004010.3).
Identifiers: ClinVar variation 1806445 (VCV001806445.1), dbSNP rs2147033488, ClinGen allele CA412667519.

ClinVar aggregate classification (germline): Likely pathogenic (1 of 4 stars; one submission).

Conditions:
Elevated circulating creatine kinase activity. Also called: Elevated creatine kinase; Elevated circulating creatine kinase concentration; Elevated serum creatine phosphokinase. Identifiers: MedGen C0241005, HP:0003236.

Submission:

Laboratory of Medical Genetics, National & Kapodistrian University of Athens
Classification: Likely pathogenic for Elevated circulating creatine kinase activity. Last evaluated: 2022-12-16. Review status: criteria provided, single submitter. Criteria: ACMG Guidelines, 2015. Collection method: clinical testing. Allele origin: germline. Affected: yes.
Comment: PVS1, PM2